The following is an entry in ClinVar:

NM_001009931.3(HRNR):c.7740C>T (p.His2580=)

Genes: CCDST (cervical cancer associated DHX9 suppressive transcript; plus strand), HRNR (hornerin; minus strand). Cytogenetic location: 1q21.3.
Variant type: single nucleotide variant.
Coding change: c.7740C>T on transcript NM_001009931.3 (MANE Select); coding-DNA position 7740, C replaced by T.
Protein change: p.His2580=; no amino-acid change (histidine 2580 retained).
Molecular consequence: synonymous variant.
Genome position (GRCh38, 1-based): chr1:152,213,889, G>A on the plus strand (C>T on the coding strand, the complement: HRNR is on the minus strand). VCF-style: chr1-152213889-G-A. GRCh37 (hg19) VCF-style: chr1-152186365-G-A.
Identifiers: ClinVar variation 4533925 (VCV004533925.6).

ClinVar aggregate classification (germline): Likely benign (1 of 4 stars; one submission).

Submission:

CeGaT Center for Human Genetics Tuebingen
Classification: Likely benign. Last evaluated: 2025-10-01. Review status: criteria provided, single submitter. Criteria: CeGaT Center For Human Genetics Tuebingen Variant Classification Criteria Version 2. Collection method: clinical testing. Allele origin: germline. Affected: yes. Observed: 1 variant allele.
Comment: HRNR: BP4, BP7